The following is an entry in ClinVar:

ClinVar aggregate classification (germline): Likely benign (0 of 4 stars; one submission).

Conditions:
HIVEP3-related disorder. Also called: HIVEP3-related condition.

Allele frequency attached by ClinVar (database versions not stated): 1000 Genomes Project 0.00040; 1000 Genomes Project 30x 0.00047.
gnomAD v4.1: 240 of 1,574,284 alleles (0.015%); highest among the groups gnomAD compares: Admixed American, 0.39%; 3 homozygotes.

Submission:

PreventionGenetics, part of Exact Sciences
Classification: Likely benign for HIVEP3-related condition. Last evaluated: 2019-04-23. Review status: no assertion criteria provided. Collection method: clinical testing. Allele origin: germline.
Comment: This variant is classified as likely benign based on ACMG/AMP sequence variant interpretation guidelines (Richards et al. 2015 PMID: 25741868, with internal and published modifications).

NM_024503.5(HIVEP3):c.3570G>A (p.Pro1190=)

Gene: HIVEP3 (HIVEP zinc finger 3; minus strand). Cytogenetic location: 1p34.2.
Variant type: single nucleotide variant.
Coding change: c.3570G>A on transcript NM_024503.5 (MANE Select); coding-DNA position 3570, G replaced by A.
Protein change: p.Pro1190=; no amino-acid change (proline 1190 retained).
Molecular consequence: synonymous variant.
Genome position (GRCh38, 1-based): chr1:41,581,228, C>T on the plus strand (G>A on the coding strand, the complement: HIVEP3 is on the minus strand). VCF-style: chr1-41581228-C-T. GRCh37 (hg19) VCF-style: chr1-42046899-C-T.
Other names: c.3570G>A, p.Pro1190= (NM_001127714.3).
Identifiers: ClinVar variation 3053123 (VCV003053123.2), dbSNP rs143962878, ClinGen allele CA797832.